The following is an entry in ClinVar:

ClinVar aggregate classification (germline): Conflicting classifications of pathogenicity. Review status: criteria provided, conflicting classifications (1 of 4 stars). 3 submissions from 3 submitters: Pathogenic (1); Uncertain significance (2). Last evaluated 2025-09-03.

Conditions:
Hereditary cancer-predisposing syndrome. Also called: Neoplastic Syndromes, Hereditary; Tumor predisposition; Hereditary neoplastic syndrome; Hereditary Cancer Syndrome. Identifiers: Orphanet 140162, MedGen C0027672, MeSH D009386, MONDO:0015356.
Colorectal cancer, susceptibility to, 12 (CRCS12). Also called: COLORECTAL CANCER, SUSCEPTIBILITY TO, ON CHROMOSOME 12q24. Identifiers: Orphanet 220460, MedGen C3554460, MONDO:0014038, OMIM 615083.

Allele frequency attached by ClinVar (database versions not stated): ExAC 0.00001; gnomAD exomes 0.00001.
gnomAD v4.1: 5 of 1,614,214 alleles (0.00031%); highest among the groups gnomAD compares: Admixed American, 0.0067%; no homozygotes.

Submissions (3):

Labcorp Genetics (formerly Invitae), Labcorp
Classification: Pathogenic. Last evaluated: 2025-09-03. Review status: criteria provided, single submitter. Criteria: Invitae Variant Classification Sherloc (09022015). Collection method: clinical testing. Allele origin: germline.
Comment: This sequence change creates a premature translational stop signal (p.Trp1458*) in the POLE gene. It is expected to result in an absent or disrupted protein product. Loss-of-function variants in POLE are known to be pathogenic (PMID: 23230001, 25948378, 30503519). This variant is present in population databases (rs747449574, gnomAD 0.006%). This variant has not been reported in the literature in individuals affected with POLE-related conditions. ClinVar contains an entry for this variant (Variation ID: 824840). For these reasons, this variant has been classified as Pathogenic.

Ambry Genetics
Classification: Uncertain significance for Hereditary cancer-predisposing syndrome. Last evaluated: 2024-12-26. Review status: criteria provided, single submitter. Criteria: Ambry Variant Classification Scheme 2023. Collection method: clinical testing. Allele origin: germline.
Comment: The p.W1458* variant (also known as c.4374G>A), located in coding exon 34 of the POLE gene, results from a G to A substitution at nucleotide position 4374. This changes the amino acid from a tryptophan to a stop codon within coding exon 34. This alteration is expected to result in loss of function by premature protein truncation or nonsense-mediated mRNA decay. Loss-of-function variants subject to nonsense mediated decay (NMD) in POLE are known to cause POLE deficiency; however, such associations with POLE-related polymerase proofreading-associated polyposis (PPAP) have not been reported. Based on the supporting evidence, this alteration is pathogenic for POLE deficiency; however, the association of this alteration with POLE-related PPAP is unknown.

St. Jude Molecular Pathology, St. Jude Children's Research Hospital
Classification: Uncertain significance for Colorectal cancer, susceptibility to, 12. Last evaluated: 2022-03-24. Review status: criteria provided, single submitter. Criteria: St. Jude Assertion Criteria 2020. Collection method: clinical testing. Allele origin: germline.
Comment: The POLE c.4374G>A (p.Trp1458Ter) change is a nonsense variant that is predicted to cause premature protein truncation. The disease mechanism for replication-repair-associated DNA polymerases is loss of proofreading caused by missense changes in the exonuclease domain, and protein truncating variants do not have an established correlation to disease (PMID: 23447401). This variant does not affect the exonuclease domain. This variant has a maximum subpopulation frequency of 0.0058% in gnomAD v2.1.1. This variant has been reported in a hypermutated tumor as well as in a tumor with low mutational burden (PMID: 29056344). In summary, this variant meets criteria to be classified as of uncertain significance based on the ACMG/AMP criteria: no criteria met

Literature cited by the submitters: PubMed 23230001 (cited by Labcorp Genetics (formerly Invitae), Labcorp); PubMed 25948378 (cited by Labcorp Genetics (formerly Invitae), Labcorp); PubMed 30503519 (cited by Labcorp Genetics (formerly Invitae), Labcorp).

NM_006231.4(POLE):c.4374G>A (p.Trp1458Ter)

Gene: POLE (DNA polymerase epsilon, catalytic subunit; minus strand). Cytogenetic location: 12q24.33.
Variant type: single nucleotide variant.
Coding change: c.4374G>A on transcript NM_006231.4 (MANE Select); coding-DNA position 4374, G replaced by A.
Protein change: p.Trp1458Ter; replaces tryptophan 1458 with a stop codon.
Molecular consequence: nonsense.
Genome position (GRCh38, 1-based): chr12:132,643,477, C>T on the plus strand (G>A on the coding strand, the complement: POLE is on the minus strand). VCF-style: chr12-132643477-C-T. GRCh37 (hg19) VCF-style: chr12-133220063-C-T.
Other names: short protein forms W1458*.
Identifiers: ClinVar variation 824840 (VCV000824840.16), dbSNP rs747449574, ClinGen allele CA6892871.